The following is an entry in ClinVar:

NM_016216.4(DBR1):c.1352C>T (p.Ser451Leu)

Gene: DBR1 (debranching RNA lariats 1; minus strand). Cytogenetic location: 3q22.3.
Variant type: single nucleotide variant.
Coding change: c.1352C>T on transcript NM_016216.4 (MANE Select); coding-DNA position 1352, C replaced by T.
Protein change: p.Ser451Leu; replaces serine 451 with leucine.
Molecular consequence: missense variant.
Genome position (GRCh38, 1-based): chr3:138,162,172, G>A on the plus strand (C>T on the coding strand, the complement: DBR1 is on the minus strand). VCF-style: chr3-138162172-G-A. GRCh37 (hg19) VCF-style: chr3-137881014-G-A.
Other names: c.1352C>T (NM_016216.3); short protein forms S451L.
Identifiers: ClinVar variation 2053955 (VCV002053955.7), dbSNP rs114451412, ClinGen allele CA2635677.

ClinVar aggregate classification (germline): Likely benign. Review status: criteria provided, multiple submitters, no conflicts (2 of 4 stars). 3 submissions from 3 submitters: Likely benign (2). 1 of the submissions does not count toward it. Last evaluated 2026-02-03.

Conditions:
DBR1-related disorder. Also called: DBR1-related condition.

Allele frequency attached by ClinVar (database versions not stated): 1000 Genomes Project 30x 0.00125; 1000 Genomes Project 0.00160; TOPMed 0.00164; gnomAD 0.00190; ESP Exome Variant Server 0.00223; ExAC 0.00237; gnomAD exomes 0.00296.
gnomAD v4.1: 4,557 of 1,614,126 alleles (0.28%); highest among the groups gnomAD compares: Non-Finnish European, 0.34%; 10 homozygotes.

Submissions (3):

Labcorp Genetics (formerly Invitae), Labcorp
Classification: Likely benign. Last evaluated: 2026-02-03. Review status: criteria provided, single submitter. Criteria: Invitae Variant Classification Sherloc (09022015). Collection method: clinical testing. Allele origin: germline.

Blueprint Genetics
Classification: Likely benign. Last evaluated: 2024-11-25. Review status: criteria provided, single submitter. Criteria: ACMG Guidelines, 2015. Collection method: clinical testing. Allele origin: germline.

PreventionGenetics, part of Exact Sciences
Classification: Likely benign for DBR1-related condition. Last evaluated: 2022-02-15. Review status: no assertion criteria provided. Collection method: clinical testing. Allele origin: germline. Not counted in ClinVar's aggregate classification.
Comment: This variant is classified as likely benign based on ACMG/AMP sequence variant interpretation guidelines (Richards et al. 2015 PMID: 25741868, with internal and published modifications).